The following is an entry in ClinVar:

ClinVar aggregate classification (germline): Uncertain significance (1 of 4 stars; one submission).

Submission:

GeneDx
Classification: Uncertain significance. Last evaluated: 2024-08-19. Review status: criteria provided, single submitter. Criteria: GeneDx Variant Classification Process June 2021. Collection method: clinical testing. Allele origin: germline. Affected: yes.
Comment: Not observed at significant frequency in large population cohorts (gnomAD); In silico analysis indicates that this missense variant does not alter protein structure/function; Has not been previously published as pathogenic or benign to our knowledge

NM_001330078.2(NRXN1):c.274A>G (p.Ser92Gly)

Gene: NRXN1 (neurexin 1; minus strand). Cytogenetic location: 2p16.3.
Variant type: single nucleotide variant.
Coding change: c.274A>G on transcript NM_001330078.2 (MANE Select); coding-DNA position 274, A replaced by G.
Protein change: p.Ser92Gly; replaces serine 92 with glycine.
Molecular consequence: missense variant.
Genome position (GRCh38, 1-based): chr2:51,028,000, T>C on the plus strand (A>G on the coding strand, the complement: NRXN1 is on the minus strand). VCF-style: chr2-51028000-T-C. GRCh37 (hg19) VCF-style: chr2-51255138-T-C.
Other names: c.274A>G, p.Ser92Gly (NM_001135659.3, NM_001330077.2, NM_001330079.2 and 15 more transcripts); short protein forms S92G.
Identifiers: ClinVar variation 1315995 (VCV001315995.3), dbSNP rs2105332489, ClinGen allele CA346824334.